The following is an entry in ClinVar:

NM_007294.4(BRCA1):c.3527T>A (p.Val1176Asp)

Genes: BRCA1 (BRCA1 DNA repair associated; minus strand), LOC126862571 (BRD4-independent group 4 enhancer GRCh37_chr17:41243136-41244335; plus strand). Cytogenetic location: 17q21.31.
Variant type: single nucleotide variant.
Coding change: c.3527T>A on transcript NM_007294.4 (MANE Select); coding-DNA position 3527, T replaced by A.
Protein change: p.Val1176Asp; replaces valine 1176 with aspartic acid.
Molecular consequence: missense variant. On other transcripts: intron variant (135).
Genome position (GRCh38, 1-based): chr17:43,092,004, A>T on the plus strand (T>A on the coding strand, the complement: BRCA1 is on the minus strand). VCF-style: chr17-43092004-A-T. GRCh37 (hg19) VCF-style: chr17-41244021-A-T.
Other names: c.3404T>A, p.Val1135Asp (NM_001407680.1, NM_001407681.1, NM_001407682.1 and 19 more transcripts); c.3527T>A, p.Val1176Asp (NM_001407684.1, NM_001407854.1, NM_001407858.1 and 30 more transcripts); c.3401T>A, p.Val1134Asp (NM_001407685.1, NM_001407686.1, NM_001407687.1 and 11 more transcripts); c.3386T>A, p.Val1129Asp (NM_001407692.1, NM_001407694.1, NM_001407695.1 and 29 more transcripts); c.3383T>A, p.Val1128Asp (NM_001407740.1, NM_001407741.1, NM_001407742.1 and 20 more transcripts); c.3314T>A, p.Val1105Asp (NM_001407853.1, NM_001407894.1, NM_001407895.1 and 9 more transcripts); c.3524T>A, p.Val1175Asp (NM_001407860.1, NM_001407861.1, NM_001407587.1 and 22 more transcripts); c.3326T>A, p.Val1109Asp (NM_001407862.1); and 41 more; short protein forms V1176D, V1129D, V1048D, V1105D, V1128D, V1134D, V1149D, V880D.
Identifiers: ClinVar variation 54908 (VCV000054908.5), dbSNP rs80357027, ClinGen allele CA002259.
Genomic context (GRCh38, chr17:43,092,004, plus strand): 5'-GTATGGGTGAAAGGGCTAGGACTCCTGCTAAGCTCTCCTTTCTGGACGCTTTTGCTAAAA[A>T]CAGCAGAACTTTCCTTAATGTCATTTTCAGCAAAACTAGTATCTTCCTTTATTTCACCAT-3'
Protein context (NP_009225.1, residues 1166-1186): AENDIKESSA[Val1176Asp]FSKSVQKGEL

ClinVar aggregate classification (germline): Likely benign. Review status: criteria provided, single submitter (1 of 4 stars). 2 submissions from 2 submitters: Likely benign (1). 1 of the submissions does not count toward it. Last evaluated 2023-03-23.

Conditions:
Breast-ovarian cancer, familial, susceptibility to, 1 (BROVCA1). Also called: BRCA1 Hereditary Breast and Ovarian Cancer; OVARIAN CANCER, SUSCEPTIBILITY TO. Identifiers: Orphanet 145, MedGen C2676676, MONDO:0011450, OMIM 604370. Disease mechanism: loss of function.
Hereditary cancer-predisposing syndrome. Also called: Hereditary Cancer Syndrome; Hereditary neoplastic syndrome; Neoplastic Syndromes, Hereditary; Tumor predisposition. Identifiers: Orphanet 140162, MedGen C0027672, MeSH D009386, MONDO:0015356.

Submissions (2):

University of Washington Department of Laboratory Medicine, University of Washington
Classification: Likely benign for Hereditary cancer-predisposing syndrome. Last evaluated: 2023-03-23. Review status: criteria provided, single submitter. Criteria: Dines et al. (Genet Med. 2020). Collection method: curation. Allele origin: germline.
Comment: Missense variant in a coldspot region where missense variants are very unlikely to be pathogenic (PMID:31911673).

BRCA1 coldspot (exon 11 using historical exon numbering). Reclassification based on statistical prior probability

Breast Cancer Information Core (BIC) (BRCA1)
Classification: Uncertain significance for Breast-ovarian cancer, familial 1. Last evaluated: 2002-05-29. Review status: no assertion criteria provided. Collection method: clinical testing. Allele origin: germline. Affected: yes. Observed: 1 variant allele. Not counted in ClinVar's aggregate classification.